The following is an entry in ClinVar:

ClinVar aggregate classification (germline): Uncertain significance (1 of 4 stars; one submission).

Conditions:
Hereditary cancer-predisposing syndrome. Also called: Hereditary Cancer Syndrome; Tumor predisposition; Hereditary neoplastic syndrome; Neoplastic Syndromes, Hereditary. Identifiers: Orphanet 140162, MedGen C0027672, MeSH D009386, MONDO:0015356.

Submission:

Ambry Genetics
Classification: Uncertain significance for Hereditary cancer-predisposing syndrome. Last evaluated: 2024-05-26. Review status: criteria provided, single submitter. Criteria: Ambry Variant Classification Scheme 2023. Collection method: clinical testing. Allele origin: germline.
Comment: The p.L589V variant (also known as c.1765C>G), located in coding exon 11 of the BRIP1 gene, results from a C to G substitution at nucleotide position 1765. The leucine at codon 589 is replaced by valine, an amino acid with highly similar properties. This amino acid position is conserved. In addition, this alteration is predicted to be tolerated by in silico analysis. Based on the available evidence, the clinical significance of this variant remains unclear.

NM_032043.3(BRIP1):c.1765C>G (p.Leu589Val)

Gene: BRIP1 (BRCA1 interacting DNA helicase 1; minus strand). Cytogenetic location: 17q23.2.
Variant type: single nucleotide variant.
Coding change: c.1765C>G on transcript NM_032043.3 (MANE Select); coding-DNA position 1765, C replaced by G.
Protein change: p.Leu589Val; replaces leucine 589 with valine.
Molecular consequence: missense variant.
Genome position (GRCh38, 1-based): chr17:61,780,869, G>C on the plus strand (C>G on the coding strand, the complement: BRIP1 is on the minus strand). VCF-style: chr17-61780869-G-C. GRCh37 (hg19) VCF-style: chr17-59858230-G-C.
Other names: short protein forms L589V.
Identifiers: ClinVar variation 3261826 (VCV003261826.1).